The following is an entry in ClinVar:

ClinVar aggregate classification (germline): Uncertain significance (1 of 4 stars; one submission).

Conditions:
Inborn genetic diseases. Identifiers: MedGen C0950123, MeSH D030342.

Submission:

Ambry Genetics
Classification: Uncertain significance for Inborn genetic diseases. Last evaluated: 2026-07-06. Review status: criteria provided, single submitter. Criteria: Ambry Variant Classification Scheme 2023. Collection method: clinical testing. Allele origin: germline.
Comment: The c.139-45G>A intronic variant results from a G to A substitution 45 nucleotides upstream from coding exon 3 in the DDX41 gene. This nucleotide position is well conserved in available vertebrate species. In silico splice site analysis predicts that this alteration may weaken the native splice acceptor site and will result in the creation or strengthening of a novel splice acceptor site; however, direct evidence is insufficient at this time (Ambry internal data). Based on the available evidence, the clinical significance of this variant remains unclear.

NM_016222.4(DDX41):c.139-45G>A

Gene: DDX41 (DEAD-box helicase 41; minus strand). Cytogenetic location: 5q35.3.
Variant type: single nucleotide variant.
Coding change: c.139-45G>A on transcript NM_016222.4 (MANE Select); 45 bases into the intron before coding-DNA position 139, G replaced by A.
Molecular consequence: intron variant. On other transcripts: 5 prime UTR variant (2).
Genome position (GRCh38, 1-based): chr5:177,516,492, C>T on the plus strand (G>A on the coding strand, the complement: DDX41 is on the minus strand). VCF-style: chr5-177516492-C-T. GRCh37 (hg19) VCF-style: chr5-176943493-C-T.
Other names: c.-285G>A (NM_001321732.2, NM_001321830.2).
Identifiers: ClinVar variation 5035142 (VCV005035142.1).